The following is an entry in ClinVar:

NM_001282225.2(ADA2):c.1443G>T (p.Lys481Asn)

Gene: ADA2 (adenosine deaminase 2; minus strand). Cytogenetic location: 22q11.1.
Variant type: single nucleotide variant.
Coding change: c.1443G>T on transcript NM_001282225.2 (MANE Select); coding-DNA position 1443, G replaced by T.
Protein change: p.Lys481Asn; replaces lysine 481 with asparagine.
Molecular consequence: missense variant.
Genome position (GRCh38, 1-based): chr22:17,181,576, C>A on the plus strand (G>T on the coding strand, the complement: ADA2 is on the minus strand). VCF-style: chr22-17181576-C-A. GRCh37 (hg19) VCF-style: chr22-17662466-C-A.
Other names: c.1443G>T, p.Lys481Asn (NM_001282226.2); c.1317G>T, p.Lys439Asn (NM_001282227.2, NM_001282228.2); c.1083G>T, p.Lys361Asn (NM_001282229.2); c.720G>T, p.Lys240Asn (NM_177405.3); short protein forms K240N, K361N, K439N, K481N.
Identifiers: ClinVar variation 973613 (VCV000973613.6), dbSNP rs774795047, ClinGen allele CA10087850.
Genomic context (GRCh38, chr22:17,181,576, plus strand): 5'-CCATCTCTTCTTCCAGATTTCCATGAAAGTATTTTTCTCACTCTCCAACAGGGTACTGTA[C>A]CTGCAGGAAGAGGAGGAGCCCAGGTCAGCCTCAGGGCAGGGGTTGGGGAACGGGGCAGGG-3'
Protein context (NP_001269154.1, residues 471-491): TLKQLAMNSI[Lys481Asn]YSTLLESEKN

ClinVar aggregate classification (germline): Uncertain significance. Review status: criteria provided, single submitter (1 of 4 stars). 2 submissions from 2 submitters: Uncertain significance (1). 1 of the submissions does not count toward it. Last evaluated 2024-01-15.

Conditions:
Deficiency of adenosine deaminase 2. Also called: Polyarteritis nodosa, childhoood-onset; Adenosine Deaminase 2 Deficiency; VASCULITIS, AUTOINFLAMMATION, IMMUNODEFICIENCY, AND HEMATOLOGIC DEFECTS SYNDROME. Identifiers: Orphanet 404553, MedGen C3887654, MONDO:0014306, OMIM 615688, MONDO:0100317.

gnomAD v4.1: 5 of 1,605,990 alleles (0.00031%); highest among the groups gnomAD compares: Admixed American, 0.005%; no homozygotes.

Submissions (2):

Labcorp Genetics (formerly Invitae), Labcorp
Classification: Uncertain significance for Deficiency of adenosine deaminase 2. Last evaluated: 2024-01-15. Review status: criteria provided, single submitter. Criteria: Invitae Variant Classification Sherloc (09022015). Collection method: clinical testing. Allele origin: germline.
Comment: This sequence change replaces lysine, which is basic and polar, with asparagine, which is neutral and polar, at codon 481 of the ADA2 protein (p.Lys481Asn). This variant is present in population databases (rs774795047, gnomAD 0.009%). This variant has not been reported in the literature in individuals affected with ADA2-related conditions. ClinVar contains an entry for this variant (Variation ID: 973613). An algorithm developed to predict the effect of missense changes on protein structure and function (PolyPhen-2) suggests that this variant is likely to be tolerated. Algorithms developed to predict the effect of sequence changes on RNA splicing suggest that this variant may disrupt the consensus splice site. In summary, the available evidence is currently insufficient to determine the role of this variant in disease. Therefore, it has been classified as a Variant of Uncertain Significance.

UOSD Laboratory of Genetics & Genomics of Rare Diseases, Istituto Giannina Gaslini
Classification: Uncertain significance for Deficiency of adenosine deaminase 2. Last evaluated: 2020-05-21. Review status: no assertion criteria provided. Collection method: clinical testing. Allele origin: germline. Affected: yes. Observed: 1 variant allele. Not counted in ClinVar's aggregate classification.